The following is an entry in ClinVar:

ClinVar aggregate classification (germline): Uncertain significance (1 of 4 stars; one submission).

Allele frequency attached by ClinVar (database versions not stated): TOPMed below 0.00001; ExAC 0.00001; gnomAD exomes 0.00001.
gnomAD v4.1: 13 of 1,614,040 alleles (0.00081%); highest among the groups gnomAD compares: South Asian, 0.0011%; no homozygotes.

Submission:

Laboratorio de Genetica e Diagnostico Molecular, Hospital Israelita Albert Einstein
Classification: Uncertain significance. Last evaluated: 2021-10-19. Review status: criteria provided, single submitter. Criteria: ACMG Guidelines, 2015. Collection method: clinical testing. Allele origin: germline. Affected: yes.
Comment: ACMG classification criteria: PM2, BP4

NM_012309.5(SHANK2):c.4066G>A (p.Glu1356Lys)

Gene: SHANK2 (SH3 and multiple ankyrin repeat domains 2; minus strand). Cytogenetic location: 11q13.3.
Variant type: single nucleotide variant.
Coding change: c.4066G>A on transcript NM_012309.5 (MANE Select); coding-DNA position 4066, G replaced by A.
Protein change: p.Glu1356Lys; replaces glutamic acid 1356 with lysine.
Molecular consequence: missense variant.
Genome position (GRCh38, 1-based): chr11:70,486,227, C>T on the plus strand (G>A on the coding strand, the complement: SHANK2 is on the minus strand). VCF-style: chr11-70486227-C-T. GRCh37 (hg19) VCF-style: chr11-70332332-C-T.
Other names: c.2929G>A, p.Glu977Lys (NM_001379226.1); c.2302G>A, p.Glu768Lys (NM_133266.5); short protein forms E1356K, E768K, E977K.
Identifiers: ClinVar variation 1690479 (VCV001690479.2), dbSNP rs782059532, ClinGen allele CA6160995.
Genomic context (GRCh38, chr11:70,486,227, plus strand): 5'-CGATGGTTCTGCCGGGCACGGTGGTGGGCTCGGGGGCAGCGGAGATCTGTAAAGCACCTT[C>T]GGTTTCGGAAACACCTTCTGGCACCTCGGACGGCGAGCTGTCTGGCTTCATCTCCACCTC-3'
Protein context (NP_036441.2, residues 1346-1366): SEVPEGVSET[Glu1356Lys]GALQISAAPE